The following is an entry in ClinVar:

NM_000268.4(NF2):c.41_42del (p.Leu14fs)

Gene: NF2 (NF2, moesin-ezrin-radixin like (MERLIN) tumor suppressor; plus strand). Cytogenetic location: 22q12.2.
Variant type: Microsatellite.
Coding change: c.41_42del on transcript NM_000268.4 (MANE Select); coding-DNA positions 41 to 42, 2 bases deleted (TC; older notation c.41_42delTC).
Protein change: p.Leu14fs; shifts the reading frame from leucine 14.
Molecular consequence: frameshift variant. On other transcripts: non-coding transcript variant (1).
Genome position (GRCh38, 1-based): chr22:29,604,039-29,604,040, TC deleted; deleting any 2 consecutive bases within chr22:29,604,034-29,604,040 gives the same sequence; the c. name uses the placement nearest the transcript's 3' end. VCF-style (leftmost placement, unchanged base first): chr22-29604033-GCT-G. GRCh37 (hg19) VCF-style: chr22-30000022-GCT-G.
Other names: c.41_42del, p.Leu14fs (NM_181832.3, NM_181833.3, NM_181831.3 and 5 more transcripts); c.41_42del (NM_000268.3); short protein forms L14fs.
Identifiers: ClinVar variation 870693 (VCV000870693.48), dbSNP rs1418675250, ClinGen allele CA638989391.

ClinVar aggregate classification (germline): Pathogenic. Review status: criteria provided, multiple submitters, no conflicts (2 of 4 stars). 3 submissions from 3 submitters: Pathogenic (3). Last evaluated 2025-07-14.

Conditions:
Neurofibromatosis, type 2 (SWNV). Also called: NF2-Related Schwannomatosis; BILATERAL ACOUSTIC NEUROFIBROMATOSIS; SCHWANNOMATOSIS, VESTIBULAR. Identifiers: Orphanet 637, MedGen C0027832, MONDO:0007039, OMIM 101000. Disease mechanism: loss of function.

Submissions (3):

Labcorp Genetics (formerly Invitae), Labcorp
Classification: Pathogenic for Neurofibromatosis, type 2. Last evaluated: 2025-07-14. Review status: criteria provided, single submitter. Criteria: Invitae Variant Classification Sherloc (09022015). Collection method: clinical testing. Allele origin: germline.
Comment: This sequence change creates a premature translational stop signal (p.Leu14Glnfs*34) in the NF2 gene. It is expected to result in an absent or disrupted protein product. Loss-of-function variants in NF2 are known to be pathogenic (PMID: 9643284, 16983642). This variant is not present in population databases (gnomAD no frequency). This premature translational stop signal has been observed in individual(s) with neurofibromatosis type 2 (PMID: 7759081). This variant is also known as CT 40-41 delta. ClinVar contains an entry for this variant (Variation ID: 870693). For these reasons, this variant has been classified as Pathogenic.

GeneDx
Classification: Pathogenic. Last evaluated: 2024-04-19. Review status: criteria provided, single submitter. Criteria: GeneDx Variant Classification Process June 2021. Collection method: clinical testing. Allele origin: germline. Affected: yes.
Comment: Frameshift variant predicted to result in protein truncation or nonsense mediated decay in a gene for which loss of function is a known mechanism of disease; Not observed at significant frequency in large population cohorts (gnomAD); This variant is associated with the following publications: (PMID: 7759081, 15684865, 33067351, 36599646)

CeGaT Center for Human Genetics Tuebingen
Classification: Pathogenic. Last evaluated: 2019-08-01. Review status: criteria provided, single submitter. Criteria: CeGaT Center For Human Genetics Tuebingen Variant Classification Criteria Version 2. Collection method: clinical testing. Allele origin: germline. Affected: yes. Observed: 1 variant allele.

Literature cited by the submitters: PubMed 9643284 (cited by Labcorp Genetics (formerly Invitae), Labcorp); PubMed 16983642 (cited by Labcorp Genetics (formerly Invitae), Labcorp); PubMed 7759081 (cited by Labcorp Genetics (formerly Invitae), Labcorp).